The following is an entry in ClinVar:

ClinVar aggregate classification (germline): Uncertain significance (1 of 4 stars; one submission).

Conditions:
Sulfite oxidase deficiency due to molybdenum cofactor deficiency type C. Also called: Molybdenum cofactor deficiency, complementation group C; Molybdenum cofactor deficiency C. Identifiers: Orphanet 308400, Orphanet 833, MedGen C1854990, MONDO:0014212, OMIM 615501.

Allele frequency attached by ClinVar (database versions not stated): ExAC 0.00001.
gnomAD v4.1: 1 of 1,587,736 alleles (0.000063%); highest among the groups gnomAD compares: Admixed American, 0.0017%; no homozygotes.

Submission:

Labcorp Genetics (formerly Invitae), Labcorp
Classification: Uncertain significance for Sulfite oxidase deficiency due to molybdenum cofactor deficiency type C. Last evaluated: 2023-09-10. Review status: criteria provided, single submitter. Criteria: Invitae Variant Classification Sherloc (09022015). Collection method: clinical testing. Allele origin: germline.
Comment: This sequence change replaces threonine, which is neutral and polar, with arginine, which is basic and polar, at codon 273 of the GPHN protein (p.Thr273Arg). This variant is present in population databases (rs771609374, gnomAD 0.003%). This variant has not been reported in the literature in individuals affected with GPHN-related conditions. An algorithm developed to predict the effect of missense changes on protein structure and function (PolyPhen-2) suggests that this variant is likely to be tolerated. In summary, the available evidence is currently insufficient to determine the role of this variant in disease. Therefore, it has been classified as a Variant of Uncertain Significance.

NM_020806.5(GPHN):c.818C>G (p.Thr273Arg)

Gene: GPHN (gephyrin; plus strand). Cytogenetic location: 14q23.3.
Variant type: single nucleotide variant.
Coding change: c.818C>G on transcript NM_020806.5 (MANE Select); coding-DNA position 818, C replaced by G.
Protein change: p.Thr273Arg; replaces threonine 273 with arginine.
Molecular consequence: missense variant. On other transcripts: intron variant (7).
Genome position (GRCh38, 1-based): chr14:66,924,282, C>G. VCF-style: chr14-66924282-C-G. GRCh37 (hg19) VCF-style: chr14-67390999-C-G.
Other names: c.768+1344C>G (NM_001377514.1, NM_001377519.1); c.729+1344C>G (NM_001377515.1, NM_001377516.1, NM_001377518.1 and 2 more transcripts); short protein forms T273R.
Identifiers: ClinVar variation 2895513 (VCV002895513.3), dbSNP rs771609374, ClinGen allele CA7233834.